The following is an entry in ClinVar:

NM_198253.3(TERT):c.2654+5G>A

Gene: TERT (telomerase reverse transcriptase; minus strand). Cytogenetic location: 5p15.33.
Variant type: single nucleotide variant.
Coding change: c.2654+5G>A on transcript NM_198253.3 (MANE Select); 5 bases into the intron after coding-DNA position 2654, G replaced by A.
Molecular consequence: intron variant.
Genome position (GRCh38, 1-based): chr5:1,266,459, C>T on the plus strand (G>A on the coding strand, the complement: TERT is on the minus strand). VCF-style: chr5-1266459-C-T. GRCh37 (hg19) VCF-style: chr5-1266574-C-T.
Other names: c.2654+5G>A (NM_001193376.3, NM_198253.2).
Identifiers: ClinVar variation 2187579 (VCV002187579.6), dbSNP rs2478165397, ClinGen allele CA2580071954.

ClinVar aggregate classification (germline): Uncertain significance. Review status: criteria provided, multiple submitters, no conflicts (2 of 4 stars). 3 submissions from 3 submitters: Uncertain significance (3). Last evaluated 2026-02-03.

Conditions:
Dyskeratosis congenita, autosomal dominant 2. Identifiers: MedGen C3151443, MONDO:0013521, OMIM 613989.
Idiopathic Pulmonary Fibrosis. Also called: Idiopathic fibrosing alveolitis, chronic form; idiopathic fibrosing alveolitis. Identifiers: Orphanet 2032, MedGen C1800706, MeSH D054990, MONDO:0800504.
Dyskeratosis congenita. Identifiers: Orphanet 1775, MedGen C0265965, MONDO:0015780.

Allele frequency attached by ClinVar (database versions not stated): gnomAD exomes below 0.00001.
gnomAD v4.1: 1 of 1,606,042 alleles (0.000062%); highest among the groups gnomAD compares: Non-Finnish European, 0.000085%; no homozygotes.

Submissions (3):

Ambry Genetics
Classification: Uncertain significance for Dyskeratosis congenita. Last evaluated: 2026-02-03. Review status: criteria provided, single submitter. Criteria: Ambry Variant Classification Scheme 2023. Collection method: clinical testing. Allele origin: germline.
Comment: The c.2654+5G>A intronic variant results from a G to A substitution 5 nucleotides after coding exon 10 in the TERT gene. This nucleotide position is highly conserved in available vertebrate species. In silico splice site analysis predicts that this alteration will not have any significant effect on splicing. Based on the available evidence, the clinical significance of this variant remains unclear.

GeneDx
Classification: Uncertain significance. Last evaluated: 2024-03-29. Review status: criteria provided, single submitter. Criteria: GeneDx Variant Classification Process June 2021. Collection method: clinical testing. Allele origin: germline. Affected: yes.
Comment: Not observed at significant frequency in large population cohorts (gnomAD); In silico analysis supports that this variant does not alter splicing; Has not been previously published as pathogenic or benign to our knowledge

Labcorp Genetics (formerly Invitae), Labcorp
Classification: Uncertain significance for Dyskeratosis congenita, autosomal dominant 2; Idiopathic Pulmonary Fibrosis. Last evaluated: 2023-08-27. Review status: criteria provided, single submitter. Criteria: Invitae Variant Classification Sherloc (09022015). Collection method: clinical testing. Allele origin: germline.
Comment: In summary, the available evidence is currently insufficient to determine the role of this variant in disease. Therefore, it has been classified as a Variant of Uncertain Significance. Variants that disrupt the consensus splice site are a relatively common cause of aberrant splicing (PMID: 17576681, 9536098). Algorithms developed to predict the effect of sequence changes on RNA splicing suggest that this variant is not likely to affect RNA splicing. ClinVar contains an entry for this variant (Variation ID: 2187579). This variant has not been reported in the literature in individuals affected with TERT-related conditions. This variant is not present in population databases (gnomAD no frequency). This sequence change falls in intron 10 of the TERT gene. It does not directly change the encoded amino acid sequence of the TERT protein. It affects a nucleotide within the consensus splice site.

Literature cited by the submitters: PubMed 17576681 (cited by Labcorp Genetics (formerly Invitae), Labcorp); PubMed 9536098 (cited by Labcorp Genetics (formerly Invitae), Labcorp).